The following is an entry in ClinVar:

ClinVar aggregate classification (germline): Benign/Likely benign. Review status: criteria provided, multiple submitters, no conflicts (2 of 4 stars). 3 submissions from 3 submitters: Benign (2); Likely benign (1). Last evaluated 2026-07-01.

Allele frequency attached by ClinVar (database versions not stated): gnomAD 0.00035 and 0.00005; gnomAD exomes 0.00059 and 0.00129; ExAC 0.00139; 1000 Genomes Project 30x 0.00312; TOPMed 0.00011; 1000 Genomes Project 0.00339.
gnomAD v4.1: 924 of 1,614,006 alleles (0.057%); highest among the groups gnomAD compares: South Asian, 0.82%; 14 homozygotes.

Submissions (3):

CeGaT Center for Human Genetics Tuebingen
Classification: Likely benign. Last evaluated: 2026-07-01. Review status: criteria provided, single submitter. Criteria: CeGaT Center For Human Genetics Tuebingen Variant Classification Criteria Version 2. Collection method: clinical testing. Allele origin: germline. Affected: yes. Observed: 5 variant alleles.
Comment: MARS2: BP4, BS2

Labcorp Genetics (formerly Invitae), Labcorp
Classification: Benign. Last evaluated: 2025-10-04. Review status: criteria provided, single submitter. Criteria: Invitae Variant Classification Sherloc (09022015). Collection method: clinical testing. Allele origin: germline.

GeneDx
Classification: Benign. Last evaluated: 2021-03-03. Review status: criteria provided, single submitter. Criteria: GeneDx Variant Classification Process June 2021. Collection method: clinical testing. Allele origin: germline. Affected: yes.

NM_138395.4(MARS2):c.1297C>G (p.Pro433Ala)

Gene: MARS2 (methionyl-tRNA synthetase 2, mitochondrial; plus strand). Cytogenetic location: 2q33.1.
Variant type: single nucleotide variant.
Coding change: c.1297C>G on transcript NM_138395.4 (MANE Select); coding-DNA position 1297, C replaced by G.
Protein change: p.Pro433Ala; replaces proline 433 with alanine.
Molecular consequence: missense variant.
Genome position (GRCh38, 1-based): chr2:197,706,702, C>G. VCF-style: chr2-197706702-C-G. GRCh37 (hg19) VCF-style: chr2-198571426-C-G.
Other names: short protein forms P433A.
Identifiers: ClinVar variation 513503 (VCV000513503.40), dbSNP rs564555725, ClinGen allele CA2044731.